The following is an entry in ClinVar:

ClinVar aggregate classification (germline): Likely benign. Review status: criteria provided, multiple submitters, no conflicts (2 of 4 stars). 2 submissions from 2 submitters: Likely benign (2). Last evaluated 2024-03-19.

Allele frequency attached by ClinVar (database versions not stated): gnomAD 0.00001; gnomAD exomes 0.00001; ExAC 0.00002; TOPMed 0.00002.
gnomAD v4.1: 24 of 1,614,022 alleles (0.0015%); highest among the groups gnomAD compares: Middle Eastern, 0.049%; no homozygotes.

Submissions (2):

Labcorp Genetics (formerly Invitae), Labcorp
Classification: Likely benign. Last evaluated: 2024-03-19. Review status: criteria provided, single submitter. Criteria: Invitae Variant Classification Sherloc (09022015). Collection method: clinical testing. Allele origin: germline.

CeGaT Center for Human Genetics Tuebingen
Classification: Likely benign. Last evaluated: 2024-01-01. Review status: criteria provided, single submitter. Criteria: CeGaT Center For Human Genetics Tuebingen Variant Classification Criteria Version 2. Collection method: clinical testing. Allele origin: germline. Affected: yes. Observed: 1 variant allele.
Comment: LIG1: BP4, BP7

NM_000234.3(LIG1):c.2109C>T (p.Asp703=)

Gene: LIG1 (DNA ligase 1; minus strand). Cytogenetic location: 19q13.33.
Variant type: single nucleotide variant.
Coding change: c.2109C>T on transcript NM_000234.3 (MANE Select); coding-DNA position 2109, C replaced by T.
Protein change: p.Asp703=; no amino-acid change (aspartic acid 703 retained).
Molecular consequence: synonymous variant. On other transcripts: non-coding transcript variant (6).
Genome position (GRCh38, 1-based): chr19:48,123,214, G>A on the plus strand (C>T on the coding strand, the complement: LIG1 is on the minus strand). VCF-style: chr19-48123214-G-A. GRCh37 (hg19) VCF-style: chr19-48626471-G-A.
Other names: c.2016C>T, p.Asp672= (NM_001289063.2); c.1905C>T, p.Asp635= (NM_001289064.2); c.2106C>T, p.Asp702= (NM_001320970.2); c.2019C>T, p.Asp673= (NM_001320971.2).
Identifiers: ClinVar variation 1910321 (VCV001910321.27), dbSNP rs754729163, ClinGen allele CA9546553.